The following is an entry in ClinVar:

ClinVar aggregate classification (germline): Uncertain significance (1 of 4 stars; one submission).

Conditions:
Schneckenbecken dysplasia. Identifiers: Orphanet 3144, MedGen C0432194, MONDO:0010013, OMIM 269250.

Allele frequency attached by ClinVar (database versions not stated): gnomAD exomes below 0.00001 and 0.00001; TOPMed below 0.00001; ExAC 0.00001.
gnomAD v4.1: 12 of 1,613,568 alleles (0.00074%); highest among the groups gnomAD compares: Non-Finnish European, 0.001%; no homozygotes.

Submission:

Labcorp Genetics (formerly Invitae), Labcorp
Classification: Uncertain significance for Schneckenbecken dysplasia. Last evaluated: 2022-02-10. Review status: criteria provided, single submitter. Criteria: Invitae Variant Classification Sherloc (09022015). Collection method: clinical testing. Allele origin: germline.
Comment: In summary, the available evidence is currently insufficient to determine the role of this variant in disease. Therefore, it has been classified as a Variant of Uncertain Significance. Algorithms developed to predict the effect of missense changes on protein structure and function (SIFT, PolyPhen-2, Align-GVGD) all suggest that this variant is likely to be tolerated. This variant has not been reported in the literature in individuals affected with SLC35D1-related conditions. This variant is present in population databases (rs762478600, gnomAD 0.0009%). This sequence change replaces proline, which is neutral and non-polar, with leucine, which is neutral and non-polar, at codon 17 of the SLC35D1 protein (p.Pro17Leu).

NM_015139.3(SLC35D1):c.50C>T (p.Pro17Leu)

Gene: SLC35D1 (solute carrier family 35 member D1; minus strand). Cytogenetic location: 1p31.3.
Variant type: single nucleotide variant.
Coding change: c.50C>T on transcript NM_015139.3 (MANE Select); coding-DNA position 50, C replaced by T.
Protein change: p.Pro17Leu; replaces proline 17 with leucine.
Molecular consequence: missense variant.
Genome position (GRCh38, 1-based): chr1:67,053,964, G>A on the plus strand (C>T on the coding strand, the complement: SLC35D1 is on the minus strand). VCF-style: chr1-67053964-G-A. GRCh37 (hg19) VCF-style: chr1-67519647-G-A.
Other names: short protein forms P17L.
Identifiers: ClinVar variation 1516538 (VCV001516538.6), dbSNP rs762478600, ClinGen allele CA899194.
Genomic context (GRCh38, chr1:67,053,964, plus strand): 5'-AGCGTTTCGGCCGACGCCATCCCCAGCTCCTCCTCATCTCGGAGTGTGGAGGATTTCGCG[G>A]GGGCTTCTCCTTTAACCCGAGCATGCTGACGTCTATGAACTTCCGCCATGGCTGCCGCAG-3'
Protein context (NP_055954.1, residues 7-27): RQHARVKGEA[Pro17Leu]AKSSTLRDEE